The following is an entry in ClinVar:

NM_002024.6(FMR1):c.590C>G (p.Ser197Cys)

Gene: FMR1 (fragile X messenger ribonucleoprotein 1; plus strand). Cytogenetic location: Xq27.3.
Variant type: single nucleotide variant.
Coding change: c.590C>G on transcript NM_002024.6 (MANE Select); coding-DNA position 590, C replaced by G.
Protein change: p.Ser197Cys; replaces serine 197 with cysteine.
Molecular consequence: missense variant. On other transcripts: non-coding transcript variant (2).
Genome position (GRCh38, 1-based): chrX:147,930,204, C>G. VCF-style: chrX-147930204-C-G. GRCh37 (hg19) VCF-style: chrX-147011723-C-G.
Other names: c.590C>G, p.Ser197Cys (NM_001185075.2, NM_001185076.2, NM_001185081.2 and 1 more transcripts); short protein forms S197C.
Identifiers: ClinVar variation 4538137 (VCV004538137.1).
Genomic context (GRCh38, chrX:147,930,204, plus strand): 5'-CCTCAAAGCGAGCACATATGCTGATTGACATGCACTTTCGGAGTCTGCGCACTAAGTTGT[C>G]TCTGATAATGAGAAATGAAGAAGCTAGTAAGCAGCTGGAGGTATGTCACTTTCCCTAGCA-3'
Protein context (NP_002015.1, residues 187-207): MHFRSLRTKL[Ser197Cys]LIMRNEEASK

ClinVar aggregate classification (germline): Uncertain significance (1 of 4 stars; one submission).

Submission:

GeneDx
Classification: Uncertain significance. Last evaluated: 2025-06-10. Review status: criteria provided, single submitter. Criteria: GeneDx Variant Classification Process June 2021. Collection method: clinical testing. Allele origin: germline. Affected: yes.
Comment: Not observed at significant frequency in large population cohorts (gnomAD); In silico analysis suggests that this missense variant does not alter protein structure/function; Has not been previously published as pathogenic or benign to our knowledge